The following is an entry in ClinVar:

ClinVar aggregate classification (germline): Uncertain significance (1 of 4 stars; one submission).

Conditions:
Ichthyosis linearis circumflexa. Identifiers: MedGen C0265962, MONDO:0043106, HP:0025810.

Submission:

Labcorp Genetics (formerly Invitae), Labcorp
Classification: Uncertain significance for Ichthyosis linearis circumflexa. Last evaluated: 2018-09-13. Review status: criteria provided, single submitter. Criteria: Invitae Variant Classification Sherloc (09022015). Collection method: clinical testing. Allele origin: germline.
Comment: In summary, the available evidence is currently insufficient to determine the role of this variant in disease. Therefore, it has been classified as a Variant of Uncertain Significance. Algorithms developed to predict the effect of sequence changes on RNA splicing suggest that this variant may create or strengthen a splice site, but this prediction has not been confirmed by published transcriptional studies. Algorithms developed to predict the effect of missense changes on protein structure and function are either unavailable or do not agree on the potential impact of this missense change (SIFT: "Deleterious"; PolyPhen-2: "Probably Damaging"; Align-GVGD: "Class C0"). This variant has not been reported in the literature in individuals with SPINK5-related disease. This variant is not present in population databases (ExAC no frequency). This sequence change replaces asparagine with aspartic acid at codon 1031 of the SPINK5 protein (p.Asn1031Asp). The asparagine residue is highly conserved and there is a small physicochemical difference between asparagine and aspartic acid.

NM_006846.4(SPINK5):c.3091A>G (p.Asn1031Asp)

Gene: SPINK5 (serine peptidase inhibitor Kazal type 5; plus strand). Cytogenetic location: 5q32.
Variant type: single nucleotide variant.
Coding change: c.3091A>G on transcript NM_006846.4 (MANE Select); coding-DNA position 3091, A replaced by G.
Protein change: p.Asn1031Asp; replaces asparagine 1031 with aspartic acid.
Molecular consequence: missense variant.
Genome position (GRCh38, 1-based): chr5:148,131,385, A>G. VCF-style: chr5-148131385-A-G. GRCh37 (hg19) VCF-style: chr5-147510948-A-G.
Other names: c.3181A>G, p.Asn1061Asp (NM_001127698.2); short protein forms N1031D, N1061D.
Identifiers: ClinVar variation 655194 (VCV000655194.7), dbSNP rs1581113847, ClinGen allele CA361652267.